The following is an entry in ClinVar:

ClinVar aggregate classification (germline): Uncertain significance. Review status: criteria provided, multiple submitters, no conflicts (2 of 4 stars). 2 submissions from 2 submitters: Uncertain significance (2). Last evaluated 2026-01-19.

Conditions:
Inborn genetic diseases. Identifiers: MedGen C0950123, MeSH D030342.

Allele frequency attached by ClinVar (database versions not stated): ExAC 0.00001; gnomAD exomes 0.00001; TOPMed 0.00002.
gnomAD v4.1: 7 of 1,602,172 alleles (0.00044%); highest among the groups gnomAD compares: Admixed American, 0.0052%; no homozygotes.

Submissions (2):

Labcorp Genetics (formerly Invitae), Labcorp
Classification: Uncertain significance. Last evaluated: 2026-01-19. Review status: criteria provided, single submitter. Criteria: Invitae Variant Classification Sherloc (09022015). Collection method: clinical testing. Allele origin: germline.
Comment: This sequence change replaces asparagine, which is neutral and polar, with serine, which is neutral and polar, at codon 83 of the FAR1 protein (p.Asn83Ser). This variant is present in population databases (rs760577650, gnomAD 0.007%). This variant has not been reported in the literature in individuals affected with FAR1-related conditions. ClinVar contains an entry for this variant (Variation ID: 1950002). Invitae Evidence Modeling of protein sequence and biophysical properties (such as structural, functional, and spatial information, amino acid conservation, physicochemical variation, residue mobility, and thermodynamic stability) indicates that this missense variant is not expected to disrupt FAR1 protein function with a negative predictive value of 80%. In summary, the available evidence is currently insufficient to determine the role of this variant in disease. Therefore, it has been classified as a Variant of Uncertain Significance.

Ambry Genetics
Classification: Uncertain significance for Inborn genetic diseases. Last evaluated: 2025-08-24. Review status: criteria provided, single submitter. Criteria: Ambry Variant Classification Scheme 2023. Collection method: clinical testing. Allele origin: germline.

NM_032228.6(FAR1):c.248A>G (p.Asn83Ser)

Gene: FAR1 (fatty acyl-CoA reductase 1; plus strand). Cytogenetic location: 11p15.3.
Variant type: single nucleotide variant.
Coding change: c.248A>G on transcript NM_032228.6 (MANE Select); coding-DNA position 248, A replaced by G.
Protein change: p.Asn83Ser; replaces asparagine 83 with serine.
Molecular consequence: missense variant.
Genome position (GRCh38, 1-based): chr11:13,700,375, A>G. VCF-style: chr11-13700375-A-G. GRCh37 (hg19) VCF-style: chr11-13721922-A-G.
Other names: short protein forms N83S.
Identifiers: ClinVar variation 1950002 (VCV001950002.7), dbSNP rs760577650, ClinGen allele CA5893281.